The following is an entry in ClinVar:

NM_001689.5(ATP5MC3):c.120+10G>A

Gene: ATP5MC3 (ATP synthase membrane subunit c locus 3; minus strand). Cytogenetic location: 2q31.1.
Variant type: single nucleotide variant.
Coding change: c.120+10G>A on transcript NM_001689.5 (MANE Select); 10 bases into the intron after coding-DNA position 120, G replaced by A.
Molecular consequence: intron variant.
Genome position (GRCh38, 1-based): chr2:175,180,088, C>T on the plus strand (G>A on the coding strand, the complement: ATP5MC3 is on the minus strand). VCF-style: chr2-175180088-C-T. GRCh37 (hg19) VCF-style: chr2-176044816-C-T.
Other names: c.120+10G>A (NM_001190329.2, NM_001002258.5).
Identifiers: ClinVar variation 726025 (VCV000726025.4), dbSNP rs115096123, ClinGen allele CA1975697.
Genomic context (GRCh38, chr2:175,180,088, plus strand): 5'-TCCTTCACTCTAATCAAAACCCTACCCTTATTTGGTAGTGTTACCTAATTTCAATTATTG[C>T]TACTATTACCTCTCCAGTCCTACTAGCCTCTGGTCGAGATAACACTGATGCAGAAATTGG-3'

ClinVar aggregate classification (germline): Benign. Review status: criteria provided, multiple submitters, no conflicts (2 of 4 stars). 2 submissions from 2 submitters: Benign (2). Last evaluated 2026-07-01.

Allele frequency attached by ClinVar (database versions not stated): gnomAD exomes 0.00009 and 0.00024; ExAC 0.00030; TOPMed 0.00092; gnomAD 0.00095 and 0.00097; ESP Exome Variant Server 0.00146; 1000 Genomes Project 0.00180; 1000 Genomes Project 30x 0.00187.
gnomAD v4.1: 273 of 1,580,562 alleles (0.017%); highest among the groups gnomAD compares: African/African-American, 0.36%; no homozygotes.

Submissions (2):

CeGaT Center for Human Genetics Tuebingen
Classification: Benign. Last evaluated: 2026-07-01. Review status: criteria provided, single submitter. Criteria: CeGaT Center For Human Genetics Tuebingen Variant Classification Criteria Version 2. Collection method: clinical testing. Allele origin: germline. Affected: yes. Observed: 1 variant allele.
Comment: ATP5MC3: BP4, BS1, BS2

Labcorp Genetics (formerly Invitae), Labcorp
Classification: Benign. Last evaluated: 2018-02-09. Review status: criteria provided, single submitter. Criteria: Invitae Variant Classification Sherloc (09022015). Collection method: clinical testing. Allele origin: germline.